The following is an entry in ClinVar:

NM_000051.4(ATM):c.6078G>A (p.Met2026Ile)

Genes: ATM (ATM serine/threonine kinase; plus strand), C11orf65 (chromosome 11 open reading frame 65; minus strand). Cytogenetic location: 11q22.3.
Variant type: single nucleotide variant.
Coding change: c.6078G>A on transcript NM_000051.4 (MANE Select); coding-DNA position 6078, G replaced by A.
Protein change: p.Met2026Ile; replaces methionine 2026 with isoleucine.
Molecular consequence: missense variant. On other transcripts: intron variant (2).
Genome position (GRCh38, 1-based): chr11:108,315,894, G>A. VCF-style: chr11-108315894-G-A. GRCh37 (hg19) VCF-style: chr11-108186621-G-A.
Other names: c.6078G>A, p.Met2026Ile (NM_001351834.2); c.641-6823C>T (NM_001330368.2); c.*39-6823C>T (NM_001351110.2); short protein forms M2026I.
Identifiers: ClinVar variation 407664 (VCV000407664.30), dbSNP rs369349023, ClinGen allele CA6265843.
Genomic context (GRCh38, chr11:108,315,894, plus strand): 5'-AGAAATCTACAGAAGTATAGGGGAGCCAGATAGTTTGTATGGCTGTGGTGGAGGGAAGAT[G>A]TTACAACCCATTACTAGGTAAATTGCATTTTTCTAAACAACGGTATAGTAATTCTGTTTA-3'
Protein context (NP_000042.3, residues 2016-2036): DSLYGCGGGK[Met2026Ile]LQPITRLRTY

ClinVar aggregate classification (germline): Conflicting classifications of pathogenicity. Review status: criteria provided, conflicting classifications (1 of 4 stars). 5 submissions from 5 submitters: Uncertain significance (3); Likely benign (1). 1 of the submissions does not count toward it. Last evaluated 2025-03-11.

Conditions:
Hereditary cancer-predisposing syndrome. Also called: Neoplastic Syndromes, Hereditary; Hereditary Cancer Syndrome; Tumor predisposition; Hereditary neoplastic syndrome. Identifiers: Orphanet 140162, MedGen C0027672, MeSH D009386, MONDO:0015356.
Ataxia-telangiectasia syndrome (AT). Also called: LOUIS-BAR SYNDROME; Cerebello-oculocutaneous telangiectasia; Immunodeficiency with ataxia telangiectasia; Ataxia-telangiectasia, complementation group D; AT, COMPLEMENTATION GROUP C; Ataxia-telangiectasia, complementation group E. Identifiers: Orphanet 100, MedGen C0004135, MONDO:0008840, OMIM 208900.

Allele frequency attached by ClinVar (database versions not stated): gnomAD 0.00001; ESP Exome Variant Server 0.00008; gnomAD exomes 0.00001 and below 0.00001; TOPMed below 0.00001; ExAC 0.00001.
gnomAD v4.1: 8 of 1,612,040 alleles (0.0005%); highest among the groups gnomAD compares: African/African-American, 0.0027%; no homozygotes.

Submissions (5):

Color Diagnostics, LLC DBA Color Health
Classification: Uncertain significance for Hereditary cancer-predisposing syndrome. Last evaluated: 2025-03-11. Review status: criteria provided, single submitter. Criteria: ACMG Guidelines, 2015. Collection method: clinical testing. Allele origin: germline.
Comment: This missense variant replaces methionine with isoleucine at codon 2026 of the ATM protein. Computational prediction suggests that this variant may not impact protein structure and function. To our knowledge, functional studies have not been performed for this variant. This variant has been reported in an individual affected with breast cancer (PMID: 35585550). This variant has been identified in 1/251406 chromosomes in the general population by the Genome Aggregation Database (gnomAD). The available evidence is insufficient to determine the role of this variant in disease conclusively. Therefore, this variant is classified as a Variant of Uncertain Significance.

Labcorp Genetics (formerly Invitae), Labcorp
Classification: Uncertain significance for Ataxia-telangiectasia syndrome. Last evaluated: 2024-10-21. Review status: criteria provided, single submitter. Criteria: Invitae Variant Classification Sherloc (09022015). Collection method: clinical testing. Allele origin: germline.
Comment: This sequence change replaces methionine, which is neutral and non-polar, with isoleucine, which is neutral and non-polar, at codon 2026 of the ATM protein (p.Met2026Ile). This variant is present in population databases (rs369349023, gnomAD 0.007%). This variant has not been reported in the literature in individuals affected with ATM-related conditions. ClinVar contains an entry for this variant (Variation ID: 407664). Invitae Evidence Modeling of protein sequence and biophysical properties (such as structural, functional, and spatial information, amino acid conservation, physicochemical variation, residue mobility, and thermodynamic stability) indicates that this missense variant is not expected to disrupt ATM protein function with a negative predictive value of 95%. In summary, the available evidence is currently insufficient to determine the role of this variant in disease. Therefore, it has been classified as a Variant of Uncertain Significance.

Ambry Genetics
Classification: Likely benign for Hereditary cancer-predisposing syndrome. Last evaluated: 2024-09-26. Review status: criteria provided, single submitter. Criteria: Ambry Variant Classification Scheme 2023. Collection method: clinical testing. Allele origin: germline.

GeneDx
Classification: Uncertain significance. Last evaluated: 2016-12-21. Review status: criteria provided, single submitter. Criteria: GeneDx Variant Classification (06012015). Collection method: clinical testing. Allele origin: germline. Affected: yes.
Comment: This variant is denoted ATM c.6078G>A at the cDNA level, p.Met2026Ile (M2026I) at the protein level, and results in the change of a Methionine to an Isoleucine (ATG>ATA). This variant has not, to our knowledge, been published in the literature as pathogenic or benign. ATM Met2026Ile was not observed at a significant allele frequency in the NHLBI Exome Sequencing Project. Since Methionine and Isoleucine share similar properties, this is considered a conservative amino acid substitution. ATM Met2026Ile occurs at a position where amino acids with properties similar to Methionine are tolerated across species and is located in the FAT domain (Stracker 2013, UniProt). In silico analyses are inconsistent regarding the effect this variant may have on protein structure and function. Based on currently available evidence, it is unclear whether ATM Met2026Ile is a pathogenic or benign variant. We consider it to be a variant of uncertain significance.

Natera, Inc.
Classification: Uncertain significance for Ataxia-telangiectasia. Last evaluated: 2020-11-02. Review status: no assertion criteria provided. Collection method: clinical testing. Allele origin: germline. Not counted in ClinVar's aggregate classification.

Literature cited by the submitters: PubMed 35585550 (cited by Color Diagnostics, LLC DBA Color Health).